The following is an entry in ClinVar:

ClinVar aggregate classification (germline): Uncertain significance (1 of 4 stars; one submission).

Conditions:
Inborn genetic diseases. Identifiers: MedGen C0950123, MeSH D030342.

gnomAD v4.1: 1 of 1,613,882 alleles (0.000062%); no homozygotes.

Submission:

Ambry Genetics
Classification: Uncertain significance for Inborn genetic diseases. Last evaluated: 2026-02-23. Review status: criteria provided, single submitter. Criteria: Ambry Variant Classification Scheme 2023. Collection method: clinical testing. Allele origin: germline.
Comment: The p.N1147K variant (also known as c.3441T>A), located in coding exon 1 of the SAMD9L gene, results from a T to A substitution at nucleotide position 3441. The asparagine at codon 1147 is replaced by lysine, an amino acid with similar properties. This amino acid position is conserved. In addition, this alteration is predicted to be tolerated by in silico analysis. Based on the available evidence, the clinical significance of this variant remains unclear.

NM_152703.5(SAMD9L):c.3441T>A (p.Asn1147Lys)

Gene: SAMD9L (sterile alpha motif domain containing 9 like; minus strand). Cytogenetic location: 7q21.2.
Variant type: single nucleotide variant.
Coding change: c.3441T>A on transcript NM_152703.5 (MANE Select); coding-DNA position 3441, T replaced by A.
Protein change: p.Asn1147Lys; replaces asparagine 1147 with lysine.
Molecular consequence: missense variant.
Genome position (GRCh38, 1-based): chr7:93,132,531, A>T on the plus strand (T>A on the coding strand, the complement: SAMD9L is on the minus strand). VCF-style: chr7-93132531-A-T. GRCh37 (hg19) VCF-style: chr7-92761844-A-T.
Other names: c.3441T>A, p.Asn1147Lys (NM_001303496.3, NM_001303497.3, NM_001303498.3 and 5 more transcripts); short protein forms N1147K.
Identifiers: ClinVar variation 4826169 (VCV004826169.1).